The following is an entry in ClinVar:

ClinVar aggregate classification (germline): Uncertain significance (1 of 4 stars; one submission).

gnomAD v4.1: 10 of 1,606,114 alleles (0.00062%); highest among the groups gnomAD compares: Non-Finnish European, 0.00076%; no homozygotes.

Submission:

GeneDx
Classification: Uncertain significance. Last evaluated: 2019-10-07. Review status: criteria provided, single submitter. Criteria: GeneDx Variant Classification Process June 2021. Collection method: clinical testing. Allele origin: germline. Affected: yes.
Comment: Not observed in large population cohorts (Lek et al., 2016); Missense variant in a gene in which most reported pathogenic variants are truncating/loss-of-function

NM_001267550.2(TTN):c.69857C>A (p.Ala23286Asp)

Genes: TTN (titin; minus strand), TTN-AS1 (TTN antisense RNA 1; plus strand), LOC126806422 (BRD4-independent group 4 enhancer GRCh37_chr2:179440205-179441404; plus strand). Cytogenetic location: 2q31.2.
Variant type: single nucleotide variant.
Coding change: c.69857C>A on transcript NM_001267550.2 (MANE Select); coding-DNA position 69857, C replaced by A.
Protein change: p.Ala23286Asp; replaces alanine 23286 with aspartic acid.
Molecular consequence: missense variant.
Genome position (GRCh38, 1-based): chr2:178,576,275, G>T on the plus strand (C>A on the coding strand, the complement: TTN is on the minus strand). VCF-style: chr2-178576275-G-T. GRCh37 (hg19) VCF-style: chr2-179441002-G-T.
Other names: c.64934C>A, p.Ala21645Asp (NM_001256850.1); c.42662C>A, p.Ala14221Asp (NM_003319.4); c.62153C>A, p.Ala20718Asp (NM_133378.4); c.43037C>A, p.Ala14346Asp (NM_133432.3); c.43238C>A, p.Ala14413Asp (NM_133437.4); short protein forms A14221D, A14346D, A14413D, A20718D, A21645D, A23286D.
Identifiers: ClinVar variation 1308909 (VCV001308909.2), dbSNP rs1465961266, ClinGen allele CA349666131.